The following is an entry in ClinVar:

NM_024652.6(LRRK1):c.50C>T (p.Pro17Leu)

Gene: LRRK1 (leucine rich repeat kinase 1; plus strand). Cytogenetic location: 15q26.3.
Variant type: single nucleotide variant.
Coding change: c.50C>T on transcript NM_024652.6 (MANE Select); coding-DNA position 50, C replaced by T.
Protein change: p.Pro17Leu; replaces proline 17 with leucine.
Molecular consequence: missense variant.
Genome position (GRCh38, 1-based): chr15:100,924,682, C>T. VCF-style: chr15-100924682-C-T. GRCh37 (hg19) VCF-style: chr15-101464887-C-T.
Other names: short protein forms P17L.
Identifiers: ClinVar variation 2193911 (VCV002193911.2), dbSNP rs180759486, ClinGen allele CA7760475.

ClinVar aggregate classification (germline): Uncertain significance (1 of 4 stars; one submission).

Allele frequency attached by ClinVar (database versions not stated): TOPMed 0.00006; gnomAD 0.00007; ESP Exome Variant Server 0.00008; ExAC 0.00013; 1000 Genomes Project 30x 0.00062; 1000 Genomes Project 0.00080.
gnomAD v4.1: 35 of 1,614,026 alleles (0.0022%); highest among the groups gnomAD compares: East Asian, 0.06%; no homozygotes.

Submission:

Labcorp Genetics (formerly Invitae), Labcorp
Classification: Uncertain significance. Last evaluated: 2022-02-03. Review status: criteria provided, single submitter. Criteria: Invitae Variant Classification Sherloc (09022015). Collection method: clinical testing. Allele origin: germline.
Comment: In summary, the available evidence is currently insufficient to determine the role of this variant in disease. Therefore, it has been classified as a Variant of Uncertain Significance. Algorithms developed to predict the effect of missense changes on protein structure and function (SIFT, PolyPhen-2, Align-GVGD) all suggest that this variant is likely to be tolerated. This variant has not been reported in the literature in individuals affected with LRRK1-related conditions. This variant is present in population databases (rs180759486, gnomAD 0.1%). This sequence change replaces proline, which is neutral and non-polar, with leucine, which is neutral and non-polar, at codon 17 of the LRRK1 protein (p.Pro17Leu).